The following is an entry in ClinVar:

ClinVar aggregate classification (germline): Uncertain significance (1 of 4 stars; one submission).

Conditions:
Inborn genetic diseases. Identifiers: MedGen C0950123, MeSH D030342.

gnomAD v4.1: 1 of 1,596,650 alleles (0.000063%); highest among the groups gnomAD compares: Non-Finnish European, 0.000085%; no homozygotes.

Submission:

Ambry Genetics
Classification: Uncertain significance for Inborn genetic diseases. Last evaluated: 2025-10-16. Review status: criteria provided, single submitter. Criteria: Ambry Variant Classification Scheme 2023. Collection method: clinical testing. Allele origin: germline.
Comment: The p.V25M variant (also known as c.73G>A), located in coding exon 1 of the G6PC3 gene, results from a G to A substitution at nucleotide position 73. The valine at codon 25 is replaced by methionine, an amino acid with highly similar properties. This amino acid position is conserved. In addition, this alteration is predicted to be tolerated by in silico analysis. Based on the available evidence, the clinical significance of this variant remains unclear.

NM_138387.4(G6PC3):c.73G>A (p.Val25Met)

Genes: G6PC3 (glucose-6-phosphatase catalytic subunit 3; plus strand), LOC130060959 (ATAC-STARR-seq lymphoblastoid active region 12250; plus strand). Cytogenetic location: 17q21.31.
Variant type: single nucleotide variant.
Coding change: c.73G>A on transcript NM_138387.4 (MANE Select); coding-DNA position 73, G replaced by A.
Protein change: p.Val25Met; replaces valine 25 with methionine.
Molecular consequence: missense variant. On other transcripts: 5 prime UTR variant (3), intron variant (1).
Genome position (GRCh38, 1-based): chr17:44,071,038, G>A. VCF-style: chr17-44071038-G-A. GRCh37 (hg19) VCF-style: chr17-42148406-G-A.
Other names: c.73G>A, p.Val25Met (NM_001319945.2); c.-332G>A (NM_001384165.1); c.-467G>A (NM_001384166.1); c.-457G>A (NM_001384167.1); c.-312+324G>A (NM_001384168.1); short protein forms V25M.
Identifiers: ClinVar variation 4620502 (VCV004620502.1).
Genomic context (GRCh38, chr17:44,071,038, plus strand): 5'-CTGGGCGCGGGCATCGTGATAGCCGAGGCGCTACAGAACCAGCTAGCCTGGCTGGAGAAC[G>A]TGTGGCTCTGGATCACCTTTCTGGGCGATCCCAAGATCCTCTTTCTGTTCTACTTCCCCG-3'
Protein context (NP_612396.1, residues 15-35): LQNQLAWLEN[Val25Met]WLWITFLGDP